The following is an entry in ClinVar:

ClinVar aggregate classification (germline): Likely pathogenic (1 of 4 stars; one submission).

Conditions:
Lysosomal acid lipase deficiency. Also called: Acid cholesteryl ester hydrolase deficiency, type 2. Identifiers: Orphanet 275761, MedGen C5574740, MONDO:0800449, MONDO:0010204.

Allele frequency attached by ClinVar (database versions not stated): gnomAD exomes below 0.00001; ExAC 0.00001.
gnomAD v4.1: 1 of 1,614,166 alleles (0.000062%); highest among the groups gnomAD compares: South Asian, 0.0011%; no homozygotes.

Submission:

Alexion, Astrazeneca Rare Disease, Astrazeneca
Classification: Likely pathogenic for Lysosomal acid lipase deficiency. Last evaluated: 2019-06-01. Review status: criteria provided, single submitter. Criteria: ACMG Guidelines, 2015. Collection method: research. Allele origin: germline.
Comment: ACMG PS3 criterion ascertained by in-vitro functional study, PMID:31180157

Literature cited by the submitters: PubMed 31180157.

NM_000235.4(LIPA):c.1025G>T (p.Gly342Val)

Gene: LIPA (lipase A, lysosomal acid type; minus strand). Cytogenetic location: 10q23.31.
Variant type: single nucleotide variant.
Coding change: c.1025G>T on transcript NM_000235.4 (MANE Select); coding-DNA position 1025, G replaced by T.
Protein change: p.Gly342Val; replaces glycine 342 with valine.
Molecular consequence: missense variant.
Genome position (GRCh38, 1-based): chr10:89,215,003, C>A on the plus strand (G>T on the coding strand, the complement: LIPA is on the minus strand). VCF-style: chr10-89215003-C-A. GRCh37 (hg19) VCF-style: chr10-90974760-C-A.
Other names: c.1025G>T, p.Gly342Val (NM_001127605.3); c.677G>T, p.Gly226Val (NM_001288979.2); short protein forms G226V, G342V.
Identifiers: ClinVar variation 695040 (VCV000695040.2), dbSNP rs768826988, ClinGen allele CA5593528.
Genomic context (GRCh38, chr10:89,215,003, plus strand): 5'-TTGGTGATCTGAGTCAGTAAGATATTGACGTCGTAGACATCTGCAAGCCAGTCGTGACCC[C>A]CGCTCCAGACTGCAGTCGGCACAAGCATGTCCTTCACATTGTATGTGGGAGGATAACTCT-3'
Protein context (NP_000226.2, residues 332-352): DMLVPTAVWS[Gly342Val]GHDWLADVYD